The following is an entry in ClinVar:

NM_000336.3(SCNN1B):c.1789C>T (p.Arg597Cys)

Gene: SCNN1B (sodium channel epithelial 1 subunit beta; plus strand). Cytogenetic location: 16p12.2.
Variant type: single nucleotide variant.
Coding change: c.1789C>T on transcript NM_000336.3 (MANE Select); coding-DNA position 1789, C replaced by T.
Protein change: p.Arg597Cys; replaces arginine 597 with cysteine.
Molecular consequence: missense variant.
Genome position (GRCh38, 1-based): chr16:23,380,667, C>T. VCF-style: chr16-23380667-C-T. GRCh37 (hg19) VCF-style: chr16-23391988-C-T.
Other names: short protein forms R597C.
Identifiers: ClinVar variation 887912 (VCV000887912.11), dbSNP rs373718332, ClinGen allele CA7960641.

ClinVar aggregate classification (germline): Conflicting classifications of pathogenicity. Review status: criteria provided, conflicting classifications (1 of 4 stars). 7 submissions from 5 submitters: Uncertain significance (4); Likely benign (3). Last evaluated 2026-01-05.

Conditions:
Bronchiectasis with or without elevated sweat chloride 1 (BESC1). Also called: Cystic Fibrosis-Like Syndrome. Identifiers: Orphanet 60033, MedGen C2749757, MONDO:0008887, OMIM 211400.
Pseudohypoaldosteronism, type IB1, autosomal recessive. Also called: Pseudohypoaldosteronism, Type I, Autosomal Recessive; Pseudohypoaldosteronism, Type I, Recessive; PHA I, AUTOSOMAL RECESSIVE; Autosomal recessive pseudohypoaldosteronism type 1. Identifiers: Orphanet 171876, Orphanet 756, MedGen C5774176, MONDO:0009917, OMIM 264350.
Liddle syndrome 1 (LIDLS1). Also called: PSEUDOALDOSTERONISM. Identifiers: Orphanet 526, MedGen CN031472, MONDO:0020607, OMIM 177200.
Pseudohypoaldosteronism, type IB2, autosomal recessive (PHA1B2). Identifiers: MedGen C5774255, MONDO:0859317, OMIM 620125.

Allele frequency attached by ClinVar (database versions not stated): ESP Exome Variant Server 0.00008; gnomAD 0.00009; TOPMed 0.00010.
gnomAD v4.1: 87 of 1,612,488 alleles (0.0054%); highest among the groups gnomAD compares: Middle Eastern, 0.017%; no homozygotes.

Submissions (7):

Labcorp Genetics (formerly Invitae), Labcorp
Classification: Uncertain significance. Last evaluated: 2026-01-05. Review status: criteria provided, single submitter. Criteria: Invitae Variant Classification Sherloc (09022015). Collection method: clinical testing. Allele origin: germline.
Comment: This sequence change replaces arginine, which is basic and polar, with cysteine, which is neutral and slightly polar, at codon 597 of the SCNN1B protein (p.Arg597Cys). This variant is present in population databases (rs373718332, gnomAD 0.01%). This missense change has been observed in individual(s) with renal tubular disease (PMID: 31328266). ClinVar contains an entry for this variant (Variation ID: 887912). An algorithm developed to predict the effect of missense changes on protein structure and function outputs the following: PolyPhen-2: "Benign". The cysteine amino acid residue is found in multiple mammalian species, which suggests that this missense change does not adversely affect protein function. In summary, the available evidence is currently insufficient to determine the role of this variant in disease. Therefore, it has been classified as a Variant of Uncertain Significance.

Blueprint Genetics
Classification: Likely benign. Last evaluated: 2024-06-04. Review status: criteria provided, single submitter. Criteria: ACMG Guidelines, 2015. Collection method: clinical testing. Allele origin: germline.

Fulgent Genetics
Classification: Uncertain significance for Liddle syndrome 1; Bronchiectasis with or without elevated sweat chloride 1; Pseudohypoaldosteronism, type IB2, autosomal recessive. Last evaluated: 2024-03-27. Review status: criteria provided, single submitter. Criteria: ACMG Guidelines, 2015. Collection method: clinical testing. Allele origin: germline.

GeneDx
Classification: Uncertain significance. Last evaluated: 2024-01-24. Review status: criteria provided, single submitter. Criteria: GeneDx Variant Classification Process June 2021. Collection method: clinical testing. Allele origin: germline. Affected: yes.
Comment: Identified in the heterozygous state in a patient with renal tubular disease in published literature, but further phenotypic details were not provided (PMID: 31328266); In silico analysis supports that this missense variant does not alter protein structure/function; This variant is associated with the following publications: (PMID: 31328266)

Illumina Laboratory Services, Illumina
Classification: Likely benign for Bronchiectasis with or without elevated sweat chloride 1. Last evaluated: 2018-01-13. Review status: criteria provided, single submitter. Criteria: ICSL Variant Classification Criteria 13 December 2019. Collection method: clinical testing. Allele origin: germline.
Comment: This variant was observed in the ICSL laboratory as part of a predisposition screen in an ostensibly healthy population. It had not been previously curated by ICSL or reported in the Human Gene Mutation Database (HGMD: prior to June 1st, 2018), and was therefore a candidate for classification through an automated scoring system. Utilizing variant allele frequency, disease prevalence and penetrance estimates, and inheritance mode, an automated score was calculated to assess if this variant is too frequent to cause the disease. Based on the score and internal cut-off values, a variant classified as likely benign is not then subjected to further curation. The score for this variant resulted in a classification of likely benign for this disease.

Illumina Laboratory Services, Illumina
Classification: Uncertain significance for Pseudohypoaldosteronism, type IB1, autosomal recessive. Last evaluated: 2018-01-13. Review status: criteria provided, single submitter. Criteria: ICSL Variant Classification Criteria 13 December 2019. Collection method: clinical testing. Allele origin: germline.

Illumina Laboratory Services, Illumina
Classification: Likely benign for Liddle syndrome 1. Last evaluated: 2018-01-13. Review status: criteria provided, single submitter. Criteria: ICSL Variant Classification Criteria 13 December 2019. Collection method: clinical testing. Allele origin: germline.
Comment: the same text as in the submission from Illumina Laboratory Services, Illumina above.

Literature cited by the submitters: PubMed 31328266 (cited by Labcorp Genetics (formerly Invitae), Labcorp).